The following is an entry in ClinVar:

ClinVar aggregate classification (germline): Likely benign (1 of 4 stars; one submission).

Conditions:
Hypophosphatasia. Also called: Phosphoethanol-aminuria. Identifiers: Orphanet 436, MedGen C0020630, MeSH D007014, MONDO:0018570.

Submission:

Genomenon, Inc
Classification: Likely benign for Hypophosphatasia. Last evaluated: 2025-08-29. Review status: criteria provided, single submitter. Criteria: Genomenon Sequence Variant Interpretation Standards. Collection method: curation. Allele origin: germline. Affected: no.
Comment: ALPL c.1266G>A is a synonymous variant that retains Lysine at residue 422. This variant has been reported in the published literature (PMID:9781036). This synonymous variant is not predicted to impact splicing. It is absent or not present at a significant frequency in gnomAD. In conclusion, we classify ALPL p.Lys422= (c.1266G>A) as a likely benign variant.

Literature cited by the submitters: PubMed 9781036.

NM_000478.6(ALPL):c.1266G>A (p.Lys422=)

Gene: ALPL (alkaline phosphatase, biomineralization associated; plus strand). Cytogenetic location: 1p36.12.
Variant type: single nucleotide variant.
Coding change: c.1266G>A on transcript NM_000478.6 (MANE Select); coding-DNA position 1266, G replaced by A.
Protein change: p.Lys422=; no amino-acid change (lysine 422 retained).
Molecular consequence: synonymous variant.
Genome position (GRCh38, 1-based): chr1:21,576,598, G>A. VCF-style: chr1-21576598-G-A. GRCh37 (hg19) VCF-style: chr1-21903091-G-A.
Other names: c.1101G>A, p.Lys367= (NM_001127501.4); c.1035G>A, p.Lys345= (NM_001177520.3); c.1266G>A, p.Lys422= (NM_001369803.2, NM_001369804.2, NM_001369805.2).
Identifiers: ClinVar variation 4086884 (VCV004086884.1).